The following is an entry in ClinVar:

NM_004415.4(DSP):c.2735T>A (p.Leu912Ter)

Gene: DSP (desmoplakin; plus strand). Cytogenetic location: 6p24.3.
Variant type: single nucleotide variant.
Coding change: c.2735T>A on transcript NM_004415.4 (MANE Select); coding-DNA position 2735, T replaced by A.
Protein change: p.Leu912Ter; replaces leucine 912 with a stop codon.
Molecular consequence: nonsense.
Genome position (GRCh38, 1-based): chr6:7,576,398, T>A. VCF-style: chr6-7576398-T-A. GRCh37 (hg19) VCF-style: chr6-7576631-T-A.
Other names: c.2735T>A, p.Leu912Ter (NM_001008844.3, NM_001319034.2); short protein forms L912*.
Identifiers: ClinVar variation 3757730 (VCV003757730.2).

ClinVar aggregate classification (germline): Pathogenic (1 of 4 stars; one submission).

Conditions:
Arrhythmogenic cardiomyopathy with wooly hair and keratoderma. Also called: PALMOPLANTAR KERATODERMA WITH LEFT VENTRICULAR CARDIOMYOPATHY AND WOOLLY HAIR; Carvajal syndrome; Dilated cardiomyopathy with woolly hair and keratoderma; Arrhythmogenic cardiomyopathy with woolly hair and keratoderma. Identifiers: Orphanet 65282, MedGen C1854063, MONDO:0011581, OMIM 605676.
Arrhythmogenic right ventricular dysplasia 8 (ARVD8). Also called: Arrhythmogenic Right Ventricular Dysplasia/Cardiomyopathy 8; ARRHYTHMOGENIC RIGHT VENTRICULAR DYSPLASIA, FAMILIAL, 8; ARRHYTHMOGENIC RIGHT VENTRICULAR CARDIOMYOPATHY 8. Identifiers: MedGen C1843896, MONDO:0011831, OMIM 607450.

Submission:

Labcorp Genetics (formerly Invitae), Labcorp
Classification: Pathogenic for Arrhythmogenic cardiomyopathy with wooly hair and keratoderma; Arrhythmogenic right ventricular dysplasia 8. Last evaluated: 2024-08-31. Review status: criteria provided, single submitter. Criteria: Invitae Variant Classification Sherloc (09022015). Collection method: clinical testing. Allele origin: germline.
Comment: This sequence change creates a premature translational stop signal (p.Leu912*) in the DSP gene. It is expected to result in an absent or disrupted protein product. Loss-of-function variants in DSP are known to be pathogenic (PMID: 20716751, 24503780, 25227139). This variant is not present in population databases (gnomAD no frequency). This variant has not been reported in the literature in individuals affected with DSP-related conditions. For these reasons, this variant has been classified as Pathogenic.

Literature cited by the submitters: PubMed 20716751; PubMed 24503780; PubMed 25227139.